The following is an entry in ClinVar:

NM_000492.4(CFTR):c.3310G>A (p.Glu1104Lys)

Genes: CFTR (CF transmembrane conductance regulator; plus strand), CFTR-AS2 (CFTR antisense RNA 2; minus strand), LOC111674472 (DNase I hypersensitive sites in introns 16 and 17a of CFTR; plus strand). Cytogenetic location: 7q31.2.
Variant type: single nucleotide variant.
Coding change: c.3310G>A on transcript NM_000492.4 (MANE Select); coding-DNA position 3310, G replaced by A.
Protein change: p.Glu1104Lys; replaces glutamic acid 1104 with lysine.
Molecular consequence: missense variant.
Genome position (GRCh38, 1-based): chr7:117,611,751, G>A. VCF-style: chr7-117611751-G-A. GRCh37 (hg19) VCF-style: chr7-117251805-G-A.
Other names: short protein forms E1104K.
Identifiers: ClinVar variation 4818532 (VCV004818532.1).

ClinVar aggregate classification (germline): Likely pathogenic (1 of 4 stars; one submission).

Conditions:
CFTR-related disorder (CFTR-RD). Also called: CFTR-related disorders; CFTR-related condition. Identifiers: MedGen C5924204, MONDO:7770004.

Submission:

Natera, Inc.
Classification: Likely pathogenic for CFTR-related disorders. Last evaluated: 2025-06-24. Review status: criteria provided, single submitter. Criteria: Natera Variant Classification Schema (03/2026). Collection method: clinical testing. Allele origin: germline.
Comment: The c.3310G>A variant in CFTR is a missense variant predicted to cause substitution of glutamic acid to lysine at amino acid 1104. This variant is rare in the general population with a frequency below the threshold expected for the associated phenotype(s). This variant has been observed in one or more individuals affected with the associated recessive disease, as either homozygous or compound heterozygous with a second variant (PMID: 22581207). Functional studies show that this variant may disrupt protein function (PMID: 38388235). Computational prediction algorithms indicate this variant is likely to affect gene or protein function. Given the available evidence, this variant is classified as Likely Pathogenic.

Literature cited by the submitters: PubMed 22581207; PubMed 38388235.